The following is an entry in ClinVar:

NM_001852.4(COL9A2):c.1025C>G (p.Pro342Arg)

Gene: COL9A2 (collagen type IX alpha 2 chain; minus strand). Cytogenetic location: 1p34.2.
Variant type: single nucleotide variant.
Coding change: c.1025C>G on transcript NM_001852.4 (MANE Select); coding-DNA position 1025, C replaced by G.
Protein change: p.Pro342Arg; replaces proline 342 with arginine.
Molecular consequence: missense variant.
Genome position (GRCh38, 1-based): chr1:40,306,171, G>C on the plus strand (C>G on the coding strand, the complement: COL9A2 is on the minus strand). VCF-style: chr1-40306171-G-C. GRCh37 (hg19) VCF-style: chr1-40771843-G-C.
Other names: c.1025C>G (NM_001852.3); short protein forms P342R.
Identifiers: ClinVar variation 1345554 (VCV001345554.10), dbSNP rs755357677, ClinGen allele CA791623.

ClinVar aggregate classification (germline): Uncertain significance. Review status: criteria provided, multiple submitters, no conflicts (2 of 4 stars). 2 submissions from 2 submitters: Uncertain significance (2). Last evaluated 2025-06-10.

Allele frequency attached by ClinVar (database versions not stated): gnomAD exomes below 0.00001; ExAC 0.00001; gnomAD 0.00002.
gnomAD v4.1: 9 of 1,613,988 alleles (0.00056%); highest among the groups gnomAD compares: African/African-American, 0.0013%; no homozygotes.

Submissions (2):

Labcorp Genetics (formerly Invitae), Labcorp
Classification: Uncertain significance. Last evaluated: 2025-06-10. Review status: criteria provided, single submitter. Criteria: Invitae Variant Classification Sherloc (09022015). Collection method: clinical testing. Allele origin: germline.
Comment: This sequence change replaces proline, which is neutral and non-polar, with arginine, which is basic and polar, at codon 342 of the COL9A2 protein (p.Pro342Arg). This variant is present in population databases (rs755357677, gnomAD 0.003%). This variant has not been reported in the literature in individuals affected with COL9A2-related conditions. ClinVar contains an entry for this variant (Variation ID: 1345554). Invitae Evidence Modeling of protein sequence and biophysical properties (such as structural, functional, and spatial information, amino acid conservation, physicochemical variation, residue mobility, and thermodynamic stability) indicates that this missense variant is not expected to disrupt COL9A2 protein function with a negative predictive value of 95%. In summary, the available evidence is currently insufficient to determine the role of this variant in disease. Therefore, it has been classified as a Variant of Uncertain Significance.

GeneDx
Classification: Uncertain significance. Last evaluated: 2025-05-14. Review status: criteria provided, single submitter. Criteria: GeneDx Variant Classification Process June 2021. Collection method: clinical testing. Allele origin: germline.
Comment: In silico analysis supports that this missense variant has a deleterious effect on protein structure/function; Has not been previously published as pathogenic or benign to our knowledge